The following is an entry in ClinVar:

NM_000219.6(KCNE1):c.167T>G (p.Phe56Cys)

Gene: KCNE1 (potassium voltage-gated channel subfamily E regulatory subunit 1; minus strand). Cytogenetic location: 21q22.12.
Variant type: single nucleotide variant.
Coding change: c.167T>G on transcript NM_000219.6 (MANE Select); coding-DNA position 167, T replaced by G.
Protein change: p.Phe56Cys; replaces phenylalanine 56 with cysteine.
Molecular consequence: missense variant.
Genome position (GRCh38, 1-based): chr21:34,449,468, A>C on the plus strand (T>G on the coding strand, the complement: KCNE1 is on the minus strand). VCF-style: chr21-34449468-A-C. GRCh37 (hg19) VCF-style: chr21-35821766-A-C.
Other names: c.167T>G, p.Phe56Cys (NM_001127668.4, NM_001127669.4, NM_001127670.4 and 4 more transcripts); short protein forms F56C.
Identifiers: ClinVar variation 3374225 (VCV003374225.2).

Conditions:
Long QT syndrome 5 (LQT5). Identifiers: Orphanet 101016, Orphanet 768, MedGen C1867904, MONDO:0013372, OMIM 613695.

Submission:

Roden Lab, Vanderbilt University Medical Center
No classification provided (evidence only). Condition: Long QT syndrome 5. Review status: no classification provided. Collection method: in vitro. Allele origin: not applicable. Functional consequence: Effect on ion channel function.
ClinVar note: "not provided" was previously submitted as the classification for the variant. However, the classification appeared to be based only on an observation of functional data so it was converted to no classification on 2025-07-30.